The following is an entry in ClinVar:

ClinVar aggregate classification (germline): Likely benign (0 of 4 stars; one submission).

Conditions:
UVSSA-related disorder. Also called: UVSSA-related condition.

gnomAD v4.1: 118 of 1,612,160 alleles (0.0073%); highest among the groups gnomAD compares: Middle Eastern, 0.016%; no homozygotes.

Submission:

PreventionGenetics, part of Exact Sciences
Classification: Likely benign for UVSSA-related condition. Last evaluated: 2019-03-25. Review status: no assertion criteria provided. Collection method: clinical testing. Allele origin: germline.
Comment: This variant is classified as likely benign based on ACMG/AMP sequence variant interpretation guidelines (Richards et al. 2015 PMID: 25741868, with internal and published modifications).

NM_020894.4(UVSSA):c.741C>T (p.Asp247=)

Gene: UVSSA (UV stimulated scaffold protein A; plus strand). Cytogenetic location: 4p16.3.
Variant type: single nucleotide variant.
Coding change: c.741C>T on transcript NM_020894.4 (MANE Select); coding-DNA position 741, C replaced by T.
Protein change: p.Asp247=; no amino-acid change (aspartic acid 247 retained).
Molecular consequence: synonymous variant.
Genome position (GRCh38, 1-based): chr4:1,353,220, C>T. VCF-style: chr4-1353220-C-T. GRCh37 (hg19) VCF-style: chr4-1347008-C-T.
Other names: c.741C>T, p.Asp247= (NM_001317934.2, NM_001317935.2).
Identifiers: ClinVar variation 3352890 (VCV003352890.1).